The following is an entry in ClinVar:

NM_001077653.2(TBX20):c.1040G>A (p.Ser347Asn)

Gene: TBX20 (T-box transcription factor 20; minus strand). Cytogenetic location: 7p14.2.
Variant type: single nucleotide variant.
Coding change: c.1040G>A on transcript NM_001077653.2 (MANE Select); coding-DNA position 1040, G replaced by A.
Protein change: p.Ser347Asn; replaces serine 347 with asparagine.
Molecular consequence: missense variant.
Genome position (GRCh38, 1-based): chr7:35,202,734, C>T on the plus strand (G>A on the coding strand, the complement: TBX20 is on the minus strand). VCF-style: chr7-35202734-C-T. GRCh37 (hg19) VCF-style: chr7-35242346-C-T.
Other names: short protein forms S347N.
Identifiers: ClinVar variation 1919484 (VCV001919484.5), dbSNP rs2546981036, ClinGen allele CA367263342.
Genomic context (GRCh38, chr7:35,202,734, plus strand): 5'-GCAGTCAGGGACTGTGGGTGCTGAAACCCAGGAAAACTGGAAGAAGATGATACCCAGGAG[C>T]TGAGAGACAAATTATCAGATGTTGTAAAGGCTGACCCTGTAAGGAAAAACACTCATTAGA-3'
Protein context (NP_001071121.1, residues 337-357): AFTTSDNLSL[Ser347Asn]SWVSSSSSFP

ClinVar aggregate classification (germline): Uncertain significance (1 of 4 stars; one submission).

Submission:

Labcorp Genetics (formerly Invitae), Labcorp
Classification: Uncertain significance. Last evaluated: 2022-06-23. Review status: criteria provided, single submitter. Criteria: Invitae Variant Classification Sherloc (09022015). Collection method: clinical testing. Allele origin: germline.
Comment: This sequence change replaces serine, which is neutral and polar, with asparagine, which is neutral and polar, at codon 347 of the TBX20 protein (p.Ser347Asn). This variant is not present in population databases (gnomAD no frequency). In summary, the available evidence is currently insufficient to determine the role of this variant in disease. Therefore, it has been classified as a Variant of Uncertain Significance. Algorithms developed to predict the effect of missense changes on protein structure and function are either unavailable or do not agree on the potential impact of this missense change (SIFT: "Tolerated"; PolyPhen-2: "Possibly Damaging"; Align-GVGD: "Class C0"). This variant has not been reported in the literature in individuals affected with TBX20-related conditions.